The following is an entry in ClinVar:

ClinVar aggregate classification (germline): Uncertain significance (1 of 4 stars; one submission).

Conditions:
Rhabdoid tumor predisposition syndrome 2 (RTPS2). Identifiers: Orphanet 231108, Orphanet 69077, MedGen C2750074, MONDO:0013224, OMIM 613325.

Allele frequency attached by ClinVar (database versions not stated): gnomAD exomes below 0.00001; ExAC 0.00001; gnomAD 0.00001.
gnomAD v4.1: 7 of 1,609,732 alleles (0.00043%); highest among the groups gnomAD compares: Middle Eastern, 0.017%; no homozygotes.

Submission:

Labcorp Genetics (formerly Invitae), Labcorp
Classification: Uncertain significance for Rhabdoid tumor predisposition syndrome 2. Last evaluated: 2025-04-04. Review status: criteria provided, single submitter. Criteria: Invitae Variant Classification Sherloc (09022015). Collection method: clinical testing. Allele origin: germline.
Comment: This sequence change replaces isoleucine, which is neutral and non-polar, with valine, which is neutral and non-polar, at codon 1151 of the SMARCA4 protein (p.Ile1151Val). This variant is present in population databases (rs544231909, gnomAD 0.0009%). This variant has not been reported in the literature in individuals affected with SMARCA4-related conditions. ClinVar contains an entry for this variant (Variation ID: 408705). Invitae Evidence Modeling of protein sequence and biophysical properties (such as structural, functional, and spatial information, amino acid conservation, physicochemical variation, residue mobility, and thermodynamic stability) indicates that this missense variant is not expected to disrupt SMARCA4 protein function with a negative predictive value of 95%. In summary, the available evidence is currently insufficient to determine the role of this variant in disease. Therefore, it has been classified as a Variant of Uncertain Significance.

NM_003072.5(SMARCA4):c.3451A>G (p.Ile1151Val)

Gene: SMARCA4 (SWI/SNF related BAF chromatin remodeling complex subunit ATPase 4; plus strand). Cytogenetic location: 19p13.2.
Variant type: single nucleotide variant.
Coding change: c.3451A>G on transcript NM_003072.5 (MANE Select); coding-DNA position 3451, A replaced by G.
Protein change: p.Ile1151Val; replaces isoleucine 1151 with valine.
Molecular consequence: missense variant. On other transcripts: non-coding transcript variant (1).
Genome position (GRCh38, 1-based): chr19:11,030,798, A>G. VCF-style: chr19-11030798-A-G. GRCh37 (hg19) VCF-style: chr19-11141474-A-G.
Other names: c.3451A>G, p.Ile1151Val (NM_001128844.3, NM_001128845.2, NM_001128846.2 and 5 more transcripts); short protein forms I1151V.
Identifiers: ClinVar variation 408705 (VCV000408705.8), dbSNP rs544231909, ClinGen allele CA9204428.